The following is an entry in ClinVar:

ClinVar aggregate classification (germline): Uncertain significance (1 of 4 stars; one submission).

Conditions:
Inborn genetic diseases. Identifiers: MedGen C0950123, MeSH D030342.

gnomAD v4.1: 2 of 1,614,228 alleles (0.00012%); highest among the groups gnomAD compares: African/African-American, 0.0013%; no homozygotes.

Submission:

Ambry Genetics
Classification: Uncertain significance for Inborn genetic diseases. Last evaluated: 2026-03-23. Review status: criteria provided, single submitter. Criteria: Ambry Variant Classification Scheme 2023. Collection method: clinical testing. Allele origin: germline.
Comment: The c.4496T>A (p.V1499E) alteration is located in exon 10 (coding exon 9) of the COL6A3 gene. This alteration results from a T to A substitution at nucleotide position 4496, causing the valine (V) at amino acid position 1499 to be replaced by a glutamic acid (E). Based on data from gnomAD, the A allele has an overall frequency of <0.001% (1/251440) total alleles studied. The highest observed frequency was 0.001% (1/113742) of European (non-Finnish) alleles. Based on insufficient or conflicting evidence, the clinical significance of this alteration remains unclear.

NM_004369.4(COL6A3):c.4496T>A (p.Val1499Glu)

Gene: COL6A3 (collagen type VI alpha 3 chain; minus strand). Cytogenetic location: 2q37.3.
Variant type: single nucleotide variant.
Coding change: c.4496T>A on transcript NM_004369.4 (MANE Select); coding-DNA position 4496, T replaced by A.
Protein change: p.Val1499Glu; replaces valine 1499 with glutamic acid.
Molecular consequence: missense variant.
Genome position (GRCh38, 1-based): chr2:237,368,967, A>T on the plus strand (T>A on the coding strand, the complement: COL6A3 is on the minus strand). VCF-style: chr2-237368967-A-T. GRCh37 (hg19) VCF-style: chr2-238277610-A-T.
Other names: c.2675T>A, p.Val892Glu (NM_057166.5); c.3878T>A, p.Val1293Glu (NM_057167.4); short protein forms V1293E, V1499E, V892E.
Identifiers: ClinVar variation 4869292 (VCV004869292.1).